The following is an entry in ClinVar:

ClinVar aggregate classification (germline): Uncertain significance (1 of 4 stars; one submission).

Allele frequency attached by ClinVar (database versions not stated): gnomAD 0.00001; TOPMed 0.00001; ExAC 0.00002; ESP Exome Variant Server 0.00008.
gnomAD v4.1: 1 of 1,604,956 alleles (0.000062%); highest among the groups gnomAD compares: Non-Finnish European, 0.000085%; no homozygotes.

Submission:

Labcorp Genetics (formerly Invitae), Labcorp
Classification: Uncertain significance. Last evaluated: 2022-08-04. Review status: criteria provided, single submitter. Criteria: Invitae Variant Classification Sherloc (09022015). Collection method: clinical testing. Allele origin: germline.
Comment: This sequence change falls in intron 7 of the FERMT1 gene. It does not directly change the encoded amino acid sequence of the FERMT1 protein. It affects a nucleotide within the consensus splice site. This variant is present in population databases (rs372515335, gnomAD 0.0009%). This variant has not been reported in the literature in individuals affected with FERMT1-related conditions. Variants that disrupt the consensus splice site are a relatively common cause of aberrant splicing (PMID: 17576681, 9536098). Algorithms developed to predict the effect of sequence changes on RNA splicing suggest that this variant may disrupt the consensus splice site. In summary, the available evidence is currently insufficient to determine the role of this variant in disease. Therefore, it has been classified as a Variant of Uncertain Significance.

Literature cited by the submitters: PubMed 17576681; PubMed 9536098.

NM_017671.5(FERMT1):c.957+3A>G

Gene: FERMT1 (FERM domain containing kindlin 1; minus strand). Cytogenetic location: 20p12.3.
Variant type: single nucleotide variant.
Coding change: c.957+3A>G on transcript NM_017671.5 (MANE Select); 3 bases into the intron after coding-DNA position 957, A replaced by G.
Molecular consequence: intron variant.
Genome position (GRCh38, 1-based): chr20:6,097,521, T>C on the plus strand (A>G on the coding strand, the complement: FERMT1 is on the minus strand). VCF-style: chr20-6097521-T-C. GRCh37 (hg19) VCF-style: chr20-6078168-T-C.
Identifiers: ClinVar variation 2173654 (VCV002173654.1), dbSNP rs372515335, ClinGen allele CA9758301.
Genomic context (GRCh38, chr20:6,097,521, plus strand): 5'-AACTTCAAGCAGAACAAACTTGGTTTGTCTCCTTCCAGAGAAAAGGTACTGAAGTTCCCA[T>C]ACCTGTAGAGCTGCAAAGATCAACATTTCTTCCTCTGTGCAATCAATTTCTTCTAAGAGA-3'